The following is an entry in ClinVar:

ClinVar aggregate classification (germline): Uncertain significance (1 of 4 stars; one submission).

Conditions:
Inborn genetic diseases. Identifiers: MedGen C0950123, MeSH D030342.

Submission:

Ambry Genetics
Classification: Uncertain significance for Inborn genetic diseases. Last evaluated: 2021-06-28. Review status: criteria provided, single submitter. Criteria: Ambry Variant Classification Scheme 2023. Collection method: clinical testing. Allele origin: germline.
Comment: The c.370_372dupGTG variant (also known as p.V124dup), located in coding exon 1 of the NEFL gene, results from an in-frame duplication of GTG at nucleotide positions 370 to 372. This results in the duplication of an extra residue between codons 124 and 125. This amino acid position is not well conserved in available vertebrate species. In addition, this alteration is predicted to be deleterious by in silico analysis (Choi Y et al. PLoS ONE. 2012; 7(10):e46688). Since supporting evidence is limited at this time, the clinical significance of this alteration remains unclear.

NM_006158.5(NEFL):c.370_372dup (p.Val124_Leu125insVal)

Gene: NEFL (neurofilament light chain; minus strand). Cytogenetic location: 8p21.2.
Variant type: Duplication.
Coding change: c.370_372dup on transcript NM_006158.5 (MANE Select); coding-DNA positions 370 to 372, 3 bases duplicated (GTG; older notation c.370_372dupGTG).
Protein change: p.Val124_Leu125insVal.
Molecular consequence: inframe insertion.
Genome position (GRCh38, 1-based): chr8:24,956,144-24,956,146, CAC duplicated on the plus strand (GTG on the coding strand, the reverse complement: NEFL is on the minus strand); duplicating any 3 consecutive bases within chr8:24,956,144-24,956,148 gives the same sequence; the c. name uses the placement nearest the transcript's 3' end. VCF-style (leftmost placement, unchanged base first): chr8-24956143-G-GCAC. GRCh37 (hg19) VCF-style: chr8-24813657-G-GCAC.
Identifiers: ClinVar variation 1734096 (VCV001734096.2), dbSNP rs2486887648, ClinGen allele CA2580078085.